The following is an entry in ClinVar:

ClinVar aggregate classification (germline): Uncertain significance (1 of 4 stars; one submission).

Conditions:
Aortic valve disease 2 (AOVD2). Identifiers: MedGen C3542024, MONDO:0013902, OMIM 614823.

Submission:

Labcorp Genetics (formerly Invitae), Labcorp
Classification: Uncertain significance for Aortic valve disease 2. Last evaluated: 2024-05-07. Review status: criteria provided, single submitter. Criteria: Invitae Variant Classification Sherloc (09022015). Collection method: clinical testing. Allele origin: germline.
Comment: This sequence change replaces serine, which is neutral and polar, with phenylalanine, which is neutral and non-polar, at codon 4 of the SMAD6 protein (p.Ser4Phe). This variant is not present in population databases (gnomAD no frequency). This variant has not been reported in the literature in individuals affected with SMAD6-related conditions. An algorithm developed to predict the effect of missense changes on protein structure and function (PolyPhen-2) suggests that this variant is likely to be disruptive. In summary, the available evidence is currently insufficient to determine the role of this variant in disease. Therefore, it has been classified as a Variant of Uncertain Significance.

NM_005585.5(SMAD6):c.11C>T (p.Ser4Phe)

Gene: SMAD6 (SMAD family member 6; plus strand). Cytogenetic location: 15q22.31.
Variant type: single nucleotide variant.
Coding change: c.11C>T on transcript NM_005585.5 (MANE Select); coding-DNA position 11, C replaced by T.
Protein change: p.Ser4Phe; replaces serine 4 with phenylalanine.
Molecular consequence: missense variant. On other transcripts: non-coding transcript variant (1).
Genome position (GRCh38, 1-based): chr15:66,703,269, C>T. VCF-style: chr15-66703269-C-T. GRCh37 (hg19) VCF-style: chr15-66995607-C-T.
Other names: short protein forms S4F.
Identifiers: ClinVar variation 3716113 (VCV003716113.2).